The following is an entry in ClinVar:

NM_020699.4(GATAD2B):c.1240C>T (p.Arg414Trp)

Gene: GATAD2B (GATA zinc finger domain containing 2B; minus strand). Cytogenetic location: 1q21.3.
Variant type: single nucleotide variant.
Coding change: c.1240C>T on transcript NM_020699.4 (MANE Select); coding-DNA position 1240, C replaced by T.
Protein change: p.Arg414Trp; replaces arginine 414 with tryptophan.
Molecular consequence: missense variant.
Genome position (GRCh38, 1-based): chr1:153,813,429, G>A on the plus strand (C>T on the coding strand, the complement: GATAD2B is on the minus strand). VCF-style: chr1-153813429-G-A. GRCh37 (hg19) VCF-style: chr1-153785905-G-A.
Other names: short protein forms R414W.
Identifiers: ClinVar variation 870788 (VCV000870788.45), dbSNP rs755635372, ClinGen allele CA1120673.

ClinVar aggregate classification (germline): Conflicting classifications of pathogenicity. Review status: criteria provided, conflicting classifications (1 of 4 stars). 2 submissions from 2 submitters: Uncertain significance (1); Likely benign (1). Last evaluated 2022-08-21.

Allele frequency attached by ClinVar (database versions not stated): gnomAD exomes below 0.00001 and 0.00001; ExAC 0.00001.
gnomAD v4.1: 5 of 1,613,842 alleles (0.00031%); highest among the groups gnomAD compares: South Asian, 0.0022%; no homozygotes.

Submissions (2):

Labcorp Genetics (formerly Invitae), Labcorp
Classification: Uncertain significance. Last evaluated: 2022-08-21. Review status: criteria provided, single submitter. Criteria: Invitae Variant Classification Sherloc (09022015). Collection method: clinical testing. Allele origin: germline.
Comment: In summary, the available evidence is currently insufficient to determine the role of this variant in disease. Therefore, it has been classified as a Variant of Uncertain Significance. Algorithms developed to predict the effect of missense changes on protein structure and function are either unavailable or do not agree on the potential impact of this missense change (SIFT: "Not Available"; PolyPhen-2: "Possibly Damaging"; Align-GVGD: "Not Available"). ClinVar contains an entry for this variant (Variation ID: 870788). This variant has not been reported in the literature in individuals affected with GATAD2B-related conditions. This variant is present in population databases (rs755635372, gnomAD 0.006%). This sequence change replaces arginine, which is basic and polar, with tryptophan, which is neutral and slightly polar, at codon 414 of the GATAD2B protein (p.Arg414Trp).

CeGaT Center for Human Genetics Tuebingen
Classification: Likely benign. Last evaluated: 2019-12-01. Review status: criteria provided, single submitter. Criteria: CeGaT Center For Human Genetics Tuebingen Variant Classification Criteria Version 2. Collection method: clinical testing. Allele origin: germline. Affected: yes. Observed: 3 variant alleles.